The following is an entry in ClinVar:

NM_052844.4(DYNC2I2):c.1155G>C (p.Gln385His)

Genes: DYNC2I2 (dynein 2 intermediate chain 2; minus strand), LOC126860772 (CDK7 strongly-dependent group 2 enhancer GRCh37_chr9:131396972-131398171; plus strand). Cytogenetic location: 9q34.11.
Variant type: single nucleotide variant.
Coding change: c.1155G>C on transcript NM_052844.4 (MANE Select); coding-DNA position 1155, G replaced by C.
Protein change: p.Gln385His; replaces glutamine 385 with histidine.
Molecular consequence: missense variant.
Genome position (GRCh38, 1-based): chr9:128,634,748, C>G on the plus strand (G>C on the coding strand, the complement: DYNC2I2 is on the minus strand). VCF-style: chr9-128634748-C-G. GRCh37 (hg19) VCF-style: chr9-131397027-C-G.
Other names: c.1155G>C (NM_052844.3); short protein forms Q385H.
Identifiers: ClinVar variation 2049281 (VCV002049281.2), dbSNP rs138263531, ClinGen allele CA5266325.
Genomic context (GRCh38, chr9:128,634,748, plus strand): 5'-CCTGTGGAAGGGGGAACAGCTCACAGAGTAGATGGGACCGCCGTGGGGGGAGAAGGTAAA[C>G]TGTGCTGGGGCCCGCAGGGGCACGGAGCTGGGCATCCGCGTGAGGGCTGCCTCTCCAGCT-3'
Protein context (NP_443076.2, residues 375-395): PSSVPLRAPA[Gln385His]FTFSPHGGPI

ClinVar aggregate classification (germline): Uncertain significance. Review status: criteria provided, multiple submitters, no conflicts (2 of 4 stars). 2 submissions from 2 submitters: Uncertain significance (2). Last evaluated 2022-08-19.

Conditions:
Inborn genetic diseases. Identifiers: MedGen C0950123, MeSH D030342.
Short-rib thoracic dysplasia 11 with or without polydactyly (SRTD11). Also called: SHORT-RIB THORACIC DYSPLASIA 11 WITHOUT POLYDACTYLY. Identifiers: Orphanet 474, Orphanet 93271, MedGen C3810200, MONDO:0014287, OMIM 615633.

Allele frequency attached by ClinVar (database versions not stated): gnomAD 0.00006; TOPMed 0.00007; ESP Exome Variant Server 0.00015; ExAC 0.00022.
gnomAD v4.1: 72 of 1,602,434 alleles (0.0045%); highest among the groups gnomAD compares: Middle Eastern, 0.033%; no homozygotes.

Submissions (2):

Labcorp Genetics (formerly Invitae), Labcorp
Classification: Uncertain significance for Short-rib thoracic dysplasia 11 with or without polydactyly. Last evaluated: 2022-08-19. Review status: criteria provided, single submitter. Criteria: Invitae Variant Classification Sherloc (09022015). Collection method: clinical testing. Allele origin: germline.
Comment: This sequence change replaces glutamine, which is neutral and polar, with histidine, which is basic and polar, at codon 385 of the WDR34 protein (p.Gln385His). This variant is present in population databases (rs138263531, gnomAD 0.2%). This variant has not been reported in the literature in individuals affected with WDR34-related conditions. Algorithms developed to predict the effect of missense changes on protein structure and function are either unavailable or do not agree on the potential impact of this missense change (SIFT: "Deleterious"; PolyPhen-2: "Possibly Damaging"; Align-GVGD: "Class C0"). In summary, the available evidence is currently insufficient to determine the role of this variant in disease. Therefore, it has been classified as a Variant of Uncertain Significance.

Ambry Genetics
Classification: Uncertain significance for Inborn genetic diseases. Last evaluated: 2022-04-25. Review status: criteria provided, single submitter. Criteria: Ambry Variant Classification Scheme 2023. Collection method: clinical testing. Allele origin: germline.